The following is an entry in ClinVar:

NM_000548.5(TSC2):c.1444-9C>A

Gene: TSC2 (TSC complex subunit 2; plus strand). Cytogenetic location: 16p13.3.
Variant type: single nucleotide variant.
Coding change: c.1444-9C>A on transcript NM_000548.5 (MANE Select); 9 bases into the intron before coding-DNA position 1444, C replaced by A.
Molecular consequence: intron variant.
Genome position (GRCh38, 1-based): chr16:2,064,263, C>A. VCF-style: chr16-2064263-C-A. GRCh37 (hg19) VCF-style: chr16-2114264-C-A.
Other names: c.1444-9C>A (NM_001114382.3, NM_021055.3, NM_001370405.1 and 3 more transcripts); c.1333-9C>A (NM_001318827.2); c.844-9C>A (NM_001318831.2); c.1297-9C>A (NM_001318829.2); c.1477-9C>A (NM_001318832.2).
Identifiers: ClinVar variation 2018551 (VCV002018551.4), dbSNP rs780055493, ClinGen allele CA2580090778.

ClinVar aggregate classification (germline): Uncertain significance (1 of 4 stars; one submission).

Conditions:
Tuberous sclerosis 2 (TSC2). Identifiers: Orphanet 805, MedGen C1860707, MONDO:0013199, OMIM 613254.

Submission:

Labcorp Genetics (formerly Invitae), Labcorp
Classification: Uncertain significance for Tuberous sclerosis 2. Last evaluated: 2022-07-21. Review status: criteria provided, single submitter. Criteria: Invitae Variant Classification Sherloc (09022015). Collection method: clinical testing. Allele origin: germline.
Comment: This sequence change falls in intron 14 of the TSC2 gene. It does not directly change the encoded amino acid sequence of the TSC2 protein. This variant is not present in population databases (gnomAD no frequency). This variant has not been reported in the literature in individuals affected with TSC2-related conditions. Algorithms developed to predict the effect of sequence changes on RNA splicing suggest that this variant may create or strengthen a splice site. In summary, the available evidence is currently insufficient to determine the role of this variant in disease. Therefore, it has been classified as a Variant of Uncertain Significance.